The following is an entry in ClinVar:

ClinVar aggregate classification (germline): Uncertain significance (1 of 4 stars; one submission).

Conditions:
Inborn genetic diseases. Identifiers: MedGen C0950123, MeSH D030342.

Allele frequency attached by ClinVar (database versions not stated): gnomAD exomes below 0.00001; TOPMed below 0.00001.
gnomAD v4.1: 5 of 1,613,714 alleles (0.00031%); highest among the groups gnomAD compares: Non-Finnish European, 0.00042%; no homozygotes.

Submission:

Ambry Genetics
Classification: Uncertain significance for Inborn genetic diseases. Last evaluated: 2025-05-22. Review status: criteria provided, single submitter. Criteria: Ambry Variant Classification Scheme 2023. Collection method: clinical testing. Allele origin: germline.
Comment: The c.589-5C>G intronic alteration consists of a C to G substitution 5 nucleotides before coding exon 7 in the AP3B2 gene. Based on insufficient or conflicting evidence, the clinical significance of this alteration remains unclear.

NM_001278512.2(AP3B2):c.589-5C>G

Genes: AP3B2 (adaptor related protein complex 3 subunit beta 2; minus strand), CPEB1-AS1 (CPEB1 antisense RNA 1; plus strand). Cytogenetic location: 15q25.2.
Variant type: single nucleotide variant.
Coding change: c.589-5C>G on transcript NM_001278512.2 (MANE Select); 5 bases into the intron before coding-DNA position 589, C replaced by G.
Molecular consequence: intron variant.
Genome position (GRCh38, 1-based): chr15:82,681,024, G>C on the plus strand (C>G on the coding strand, the complement: AP3B2 is on the minus strand). VCF-style: chr15-82681024-G-C. GRCh37 (hg19) VCF-style: chr15-83349776-G-C.
Other names: c.493-5C>G (NM_001278511.2); c.589-5C>G (NM_004644.5).
Identifiers: ClinVar variation 2232062 (VCV002232062.3), dbSNP rs1395692599, ClinGen allele CA619409121.